The following is an entry in ClinVar:

NM_004565.3(PEX14):c.-10C>T

Gene: PEX14 (peroxisomal biogenesis factor 14; plus strand). Cytogenetic location: 1p36.22.
Variant type: single nucleotide variant.
Coding change: c.-10C>T on transcript NM_004565.3 (MANE Select); 10 bases upstream of the start codon, C replaced by T.
Molecular consequence: 5 prime UTR variant.
Genome position (GRCh38, 1-based): chr1:10,474,957, C>T. VCF-style: chr1-10474957-C-T. GRCh37 (hg19) VCF-style: chr1-10535014-C-T.
Identifiers: ClinVar variation 3049425 (VCV003049425.2), dbSNP rs768427015, ClinGen allele CA583651.

ClinVar aggregate classification (germline): Likely benign (0 of 4 stars; one submission).

Conditions:
PEX14-related disorder. Also called: PEX14-related condition.

Allele frequency attached by ClinVar (database versions not stated): gnomAD exomes below 0.00001; ExAC 0.00001.
gnomAD v4.1: 2 of 1,606,734 alleles (0.00012%); highest among the groups gnomAD compares: Non-Finnish European, 0.00017%; no homozygotes.

Submission:

PreventionGenetics, part of Exact Sciences
Classification: Likely benign for PEX14-related condition. Last evaluated: 2023-09-27. Review status: no assertion criteria provided. Collection method: clinical testing. Allele origin: germline.
Comment: This variant is classified as likely benign based on ACMG/AMP sequence variant interpretation guidelines (Richards et al. 2015 PMID: 25741868, with internal and published modifications).